The following is an entry in ClinVar:

NM_001184880.2(PCDH19):c.3004G>T (p.Val1002Phe)

Gene: PCDH19 (protocadherin 19; minus strand). Cytogenetic location: Xq22.1.
Variant type: single nucleotide variant.
Coding change: c.3004G>T on transcript NM_001184880.2 (MANE Select); coding-DNA position 3004, G replaced by T.
Protein change: p.Val1002Phe; replaces valine 1002 with phenylalanine.
Molecular consequence: missense variant.
Genome position (GRCh38, 1-based): chrX:100,296,720, C>A on the plus strand (G>T on the coding strand, the complement: PCDH19 is on the minus strand). VCF-style: chrX-100296720-C-A. GRCh37 (hg19) VCF-style: chrX-99551718-C-A.
Other names: c.2863G>T, p.Val955Phe (NM_001105243.2); c.2860G>T, p.Val954Phe (NM_020766.3); short protein forms V1002F, V954F, V955F.
Identifiers: ClinVar variation 5009338 (VCV005009338.1).
Genomic context (GRCh38, chrX:100,296,720, plus strand): 5'-CATCTTTCCCAAAGGTTGCGAAAGTCCGTTTGGTGGGGCCGCAGTCGTCATAAGCCTCGA[C>A]ATCAGCAGCAGTAGCTTCAATAGACAGCGCGATGATGTTCCTCACATGCTCAGGGGACTT-3'
Protein context (NP_001171809.1, residues 992-1012): ALSIEATAAD[Val1002Phe]EAYDDCGPTK

ClinVar aggregate classification (germline): Uncertain significance (1 of 4 stars; one submission).

Submission:

GeneDx
Classification: Uncertain significance. Last evaluated: 2026-03-19. Review status: criteria provided, single submitter. Criteria: GeneDx Variant Classification Process June 2021. Collection method: clinical testing. Allele origin: germline.
Comment: Not observed at significant frequency in large population cohorts (gnomAD); In silico analysis suggests that this missense variant does not alter protein structure/function; Has not been previously published as pathogenic or benign to our knowledge